The following is an entry in ClinVar:

NM_002485.5(NBN):c.421A>G (p.Asn141Asp)

Gene: NBN (nibrin; minus strand). Cytogenetic location: 8q21.3.
Variant type: single nucleotide variant.
Coding change: c.421A>G on transcript NM_002485.5 (MANE Select); coding-DNA position 421, A replaced by G.
Protein change: p.Asn141Asp; replaces asparagine 141 with aspartic acid.
Molecular consequence: missense variant.
Genome position (GRCh38, 1-based): chr8:89,980,793, T>C on the plus strand (A>G on the coding strand, the complement: NBN is on the minus strand). VCF-style: chr8-89980793-T-C. GRCh37 (hg19) VCF-style: chr8-90993021-T-C.
Other names: c.175A>G, p.Asn59Asp (NM_001024688.3); short protein forms N59D, N141D.
Identifiers: ClinVar variation 1478816 (VCV001478816.6), dbSNP rs2129909122, ClinGen allele CA371661775.
Genomic context (GRCh38, chr8:89,980,793, plus strand): 5'-CTTTAATGGTAACTTTCACTGATACCATGACAAGGTGAGTGCATTCTTCTGTCCAATTGT[T>C]TACAGTAAATCCTCCAAGTTGCAATATAGCTTGATTTAAAGCAGTTTTCCCAGAGACATC-3'
Protein context (NP_002476.2, residues 131-151): AILQLGGFTV[Asn141Asp]NWTEECTHLV

ClinVar aggregate classification (germline): Uncertain significance (1 of 4 stars; one submission).

Conditions:
Microcephaly, normal intelligence and immunodeficiency (NBS). Also called: Nijmegen breakage syndrome; Microcephaly with normal intelligence immunodeficiency and lymphoreticular malignancies; Nonsyndromal microcephaly autosomal recessive with normal intelligence; Seemanova syndrome 2; IMMUNODEFICIENCY, MICROCEPHALY, AND CHROMOSOMAL INSTABILITY; SEEMANOVA SYNDROME II. Identifiers: Orphanet 647, MedGen C0398791, MONDO:0009623, OMIM 251260.

Submission:

Labcorp Genetics (formerly Invitae), Labcorp
Classification: Uncertain significance for Microcephaly, normal intelligence and immunodeficiency. Last evaluated: 2021-10-23. Review status: criteria provided, single submitter. Criteria: Invitae Variant Classification Sherloc (09022015). Collection method: clinical testing. Allele origin: germline.
Comment: In summary, the available evidence is currently insufficient to determine the role of this variant in disease. Therefore, it has been classified as a Variant of Uncertain Significance. Algorithms developed to predict the effect of missense changes on protein structure and function are either unavailable or do not agree on the potential impact of this missense change (SIFT: "Tolerated"; PolyPhen-2: "Possibly Damaging"; Align-GVGD: "Class C0"). This variant has not been reported in the literature in individuals affected with NBN-related conditions. This variant is not present in population databases (ExAC no frequency). This sequence change replaces asparagine with aspartic acid at codon 141 of the NBN protein (p.Asn141Asp). The asparagine residue is moderately conserved and there is a small physicochemical difference between asparagine and aspartic acid.